The following is an entry in ClinVar:

ClinVar aggregate classification (germline): Likely benign (1 of 4 stars; one submission).

gnomAD v4.1: 635 of 1,603,374 alleles (0.04%); highest among the groups gnomAD compares: Non-Finnish European, 0.051%; 1 homozygote.

Submission:

CeGaT Center for Human Genetics Tuebingen
Classification: Likely benign. Last evaluated: 2026-09-01. Review status: criteria provided, single submitter. Criteria: CeGaT Center For Human Genetics Tuebingen Variant Classification Criteria Version 2. Collection method: clinical testing. Allele origin: germline. Affected: yes. Observed: 2 variant alleles.
Comment: TNIK: BP4

NM_015028.4(TNIK):c.2136G>A (p.Arg712=)

Gene: TNIK (TRAF2 and NCK interacting kinase; minus strand). Cytogenetic location: 3q26.2.
Variant type: single nucleotide variant.
Coding change: c.2136G>A on transcript NM_015028.4 (MANE Select); coding-DNA position 2136, G replaced by A.
Protein change: p.Arg712=; no amino-acid change (arginine 712 retained).
Molecular consequence: synonymous variant.
Genome position (GRCh38, 1-based): chr3:171,110,862, C>T on the plus strand (G>A on the coding strand, the complement: TNIK is on the minus strand). VCF-style: chr3-171110862-C-T. GRCh37 (hg19) VCF-style: chr3-170828651-C-T.
Other names: c.2136G>A, p.Arg712= (NM_001161560.3); c.2049G>A, p.Arg683= (NM_001161561.3, NM_001161562.3); c.1971G>A, p.Arg657= (NM_001161563.3, NM_001161564.3); c.1884G>A, p.Arg628= (NM_001161565.3, NM_001161566.3).
Identifiers: ClinVar variation 4681593 (VCV004681593.5).